The following is an entry in ClinVar:

NC_000008.10:g.(?_100026017)_(100026183_?)del

Gene: VPS13B (vacuolar protein sorting 13 homolog B; plus strand). Cytogenetic location: 8q22.2.
Variant type: Deletion.
Identifiers: ClinVar variation 1460376 (VCV001460376.5).

ClinVar aggregate classification (germline): Pathogenic (1 of 4 stars; one submission).

Conditions:
Cohen syndrome (COH1). Also called: PEPPER SYNDROME; Cutis verticis gyrata, retinitis pigmentosa, and sensorineural deafness. Identifiers: Orphanet 193, MedGen C0265223, MONDO:0008999, OMIM 216550.

Submission:

Labcorp Genetics (formerly Invitae), Labcorp
Classification: Pathogenic for Cohen syndrome. Last evaluated: 2023-10-11. Review status: criteria provided, single submitter. Criteria: Invitae Variant Classification Sherloc (09022015). Collection method: clinical testing. Allele origin: germline.
Comment: This variant is a gross deletion of the genomic region encompassing exon(s) 2 of the VPS13B gene, which includes the initiator codon. This deletion extends beyond the assayed region for this gene and therefore may encompass additional genes. It is expected to result in an absent or disrupted protein product. Loss-of-function variants in VPS13B are known to be pathogenic (PMID: 15141358, 16648375, 20461111). This variant has not been reported in the literature in individuals affected with VPS13B-related conditions. For these reasons, this variant has been classified as Pathogenic.

Literature cited by the submitters: PubMed 15141358; PubMed 16648375; PubMed 20461111.